The following is an entry in ClinVar:

NM_000053.4(ATP7B):c.4012A>G (p.Ile1338Val)

Gene: ATP7B (ATPase copper transporting beta; minus strand). Cytogenetic location: 13q14.3.
Variant type: single nucleotide variant.
Coding change: c.4012A>G on transcript NM_000053.4 (MANE Select); coding-DNA position 4012, A replaced by G.
Protein change: p.Ile1338Val; replaces isoleucine 1338 with valine.
Molecular consequence: missense variant.
Genome position (GRCh38, 1-based): chr13:51,937,285, T>C on the plus strand (A>G on the coding strand, the complement: ATP7B is on the minus strand). VCF-style: chr13-51937285-T-C. GRCh37 (hg19) VCF-style: chr13-52511421-T-C.
Other names: c.3391A>G, p.Ile1131Val (NM_001005918.3); c.3679A>G, p.Ile1227Val (NM_001243182.2); c.3778A>G, p.Ile1260Val (NM_001330578.2, NM_001406527.1, NM_001406528.1); c.3760A>G, p.Ile1254Val (NM_001330579.2, NM_001406531.1, NM_001406532.1); c.4012A>G, p.Ile1338Val (NM_001406511.1, NM_001406512.1); c.4006A>G, p.Ile1336Val (NM_001406513.1); c.3979A>G, p.Ile1327Val (NM_001406514.1); c.3958A>G, p.Ile1320Val (NM_001406515.1, NM_001406516.1); and 21 more; short protein forms I1111V, I1122V, I1189V, I1195V, I1225V, I1227V, I1242V, I1254V.
Identifiers: ClinVar variation 2140346 (VCV002140346.3), dbSNP rs774860289, ClinGen allele CA6988520.
Genomic context (GRCh38, chr13:51,937,285, plus strand): 5'-ACAGAAGCCTTTCTGGGCGCAGCTGGAGCACAGTGGGTAAGAGCTGCCTACCTGCTGCAA[T>C]GGGTATCCCAACCAGGTTATAAATCAGTGCCAGGACCAGGTTGATGCGTATCCTTCGGAC-3'
Protein context (NP_000044.2, residues 1328-1348): ALIYNLVGIP[Ile1338Val]AAGVFMPIGI

ClinVar aggregate classification (germline): Uncertain significance. Review status: criteria provided, multiple submitters, no conflicts (2 of 4 stars). 3 submissions from 3 submitters: Uncertain significance (3). Last evaluated 2024-08-07.

Conditions:
Wilson disease (WND). Also called: Wilson's disease. Identifiers: Orphanet 905, MedGen C0019202, MONDO:0010200, OMIM 277900. Disease mechanism: loss of function.

Allele frequency attached by ClinVar (database versions not stated): gnomAD 0.00001; TOPMed 0.00001; ExAC 0.00002; gnomAD exomes 0.00002.
gnomAD v4.1: 30 of 1,613,912 alleles (0.0019%); highest among the groups gnomAD compares: South Asian, 0.015%; no homozygotes.

Submissions (3):

Blueprint Genetics
Classification: Uncertain significance. Last evaluated: 2024-08-07. Review status: criteria provided, single submitter. Criteria: ACMG Guidelines, 2015. Collection method: clinical testing. Allele origin: germline.

All of Us Research Program, National Institutes of Health
Classification: Uncertain significance for Wilson disease. Last evaluated: 2023-11-28. Review status: criteria provided, single submitter. Criteria: ACMG Guidelines, 2015. Collection method: clinical testing. Allele origin: germline. Inheritance: Autosomal recessive inheritance. Observed: 2 variant alleles, 2 heterozygotes.
Comment: This missense variant replaces isoleucine with valine at codon 1338 of the ATP7B protein. Computational prediction suggests that this variant may not impact protein structure and function (internally defined REVEL score threshold <= 0.5, PMID: 27666373). To our knowledge, functional studies have not been reported for this variant. This variant has not been reported in individuals affected with ATP7B-related disorders in the literature. This variant has been identified in 7/249526 chromosomes in the general population by the Genome Aggregation Database (gnomAD). The available evidence is insufficient to determine the role of this variant in disease conclusively. Therefore, this variant is classified as a Variant of Uncertain Significance.

This study involves interpretation of variants in research participants for the purpose of population health screening. Participant phenotype was not available at the time of variant classification. Additional details can be found in publication PMID: 35346344, PMCID: PMC8962531

Labcorp Genetics (formerly Invitae), Labcorp
Classification: Uncertain significance for Wilson disease. Last evaluated: 2022-04-07. Review status: criteria provided, single submitter. Criteria: Invitae Variant Classification Sherloc (09022015). Collection method: clinical testing. Allele origin: germline.
Comment: This sequence change replaces isoleucine, which is neutral and non-polar, with valine, which is neutral and non-polar, at codon 1338 of the ATP7B protein (p.Ile1338Val). This variant is present in population databases (rs774860289, gnomAD 0.02%). This variant has not been reported in the literature in individuals affected with ATP7B-related conditions. Advanced modeling of protein sequence and biophysical properties (such as structural, functional, and spatial information, amino acid conservation, physicochemical variation, residue mobility, and thermodynamic stability) performed at Invitae indicates that this missense variant is not expected to disrupt ATP7B protein function. In summary, the available evidence is currently insufficient to determine the role of this variant in disease. Therefore, it has been classified as a Variant of Uncertain Significance.